The following is an entry in ClinVar:

NM_020738.4(KIDINS220):c.2000T>C (p.Ile667Thr)

Gene: KIDINS220 (kinase D interacting substrate 220; minus strand). Cytogenetic location: 2p25.1.
Variant type: single nucleotide variant.
Coding change: c.2000T>C on transcript NM_020738.4 (MANE Select); coding-DNA position 2000, T replaced by C.
Protein change: p.Ile667Thr; replaces isoleucine 667 with threonine.
Molecular consequence: missense variant. On other transcripts: non-coding transcript variant (2).
Genome position (GRCh38, 1-based): chr2:8,785,970, A>G on the plus strand (T>C on the coding strand, the complement: KIDINS220 is on the minus strand). VCF-style: chr2-8785970-A-G. GRCh37 (hg19) VCF-style: chr2-8926100-A-G.
Other names: c.2003T>C, p.Ile668Thr (NM_001348729.2, NM_001348731.2, NM_001348734.2 and 3 more transcripts); c.2000T>C, p.Ile667Thr (NM_001348732.2, NM_001348735.2, NM_001348738.2 and 3 more transcripts); c.1874T>C, p.Ile625Thr (NM_001348736.2); c.2000T>C (NM_020738.2); short protein forms I625T, I667T, I668T.
Identifiers: ClinVar variation 1379250 (VCV001379250.32), dbSNP rs139252608, ClinGen allele CA1520058.
Genomic context (GRCh38, chr2:8,785,970, plus strand): 5'-AGATGCTTTGGGTCAACTCTAAATATAGCCAGAAGAGTAATTCCAGATATAATGCAGCCA[A>G]TGATAAAAAGGAAGATGACAAAAGATGGGAGACAACATGTTTTTTTCCATTTCTTTTTAC-3'
Protein context (NP_065789.1, residues 657-677): LPSFVIFLFI[Ile667Thr]GCIISGITLL

ClinVar aggregate classification (germline): Conflicting classifications of pathogenicity. Review status: criteria provided, conflicting classifications (1 of 4 stars). 4 submissions from 4 submitters: Uncertain significance (3); Likely benign (1). Last evaluated 2026-07-31.

Conditions:
KIDINS220-related disorder. Also called: KIDINS220-related condition.
Inborn genetic diseases. Identifiers: MedGen C0950123, MeSH D030342.

Allele frequency attached by ClinVar (database versions not stated): gnomAD exomes 0.00001 and 0.00003; ExAC 0.00005; ESP Exome Variant Server 0.00008; gnomAD 0.00009 and 0.00010; TOPMed 0.00013; 1000 Genomes Project 30x 0.00016; 1000 Genomes Project 0.00020.
gnomAD v4.1: 31 of 1,613,038 alleles (0.0019%); highest among the groups gnomAD compares: African/African-American, 0.031%; no homozygotes.

Submissions (4):

PreventionGenetics, part of Exact Sciences
Classification: Uncertain significance for KIDINS220-related condition. Last evaluated: 2026-07-31. Review status: criteria provided, single submitter. Criteria: ACMG Guidelines, 2015. Collection method: clinical testing. Allele origin: germline.
Comment: The KIDINS220 c.2000T>C variant is predicted to result in the amino acid substitution p.Ile667Thr. To our knowledge, this variant has not been reported in the literature. This variant is reported in 0.026% of alleles in individuals of African descent in gnomAD. At this time, the clinical significance of this variant is uncertain due to the absence of conclusive functional and genetic evidence.

Ambry Genetics
Classification: Uncertain significance for Inborn genetic diseases. Last evaluated: 2022-12-27. Review status: criteria provided, single submitter. Criteria: Ambry Variant Classification Scheme 2023. Collection method: clinical testing. Allele origin: germline.

Labcorp Genetics (formerly Invitae), Labcorp
Classification: Uncertain significance. Last evaluated: 2022-06-28. Review status: criteria provided, single submitter. Criteria: Invitae Variant Classification Sherloc (09022015). Collection method: clinical testing. Allele origin: germline.
Comment: Algorithms developed to predict the effect of missense changes on protein structure and function (SIFT, PolyPhen-2, Align-GVGD) all suggest that this variant is likely to be tolerated. In summary, the available evidence is currently insufficient to determine the role of this variant in disease. Therefore, it has been classified as a Variant of Uncertain Significance. This sequence change replaces isoleucine, which is neutral and non-polar, with threonine, which is neutral and polar, at codon 667 of the KIDINS220 protein (p.Ile667Thr). This variant is present in population databases (rs139252608, gnomAD 0.03%). This variant has not been reported in the literature in individuals affected with KIDINS220-related conditions.

CeGaT Center for Human Genetics Tuebingen
Classification: Likely benign. Last evaluated: 2022-05-01. Review status: criteria provided, single submitter. Criteria: CeGaT Center For Human Genetics Tuebingen Variant Classification Criteria Version 2. Collection method: clinical testing. Allele origin: germline. Affected: yes. Observed: 1 variant allele.
Comment: KIDINS220: BP4